The following is an entry in ClinVar:

NM_001267550.2(TTN):c.89065C>T (p.Arg29689Cys)

Genes: TTN (titin; minus strand), TTN-AS1 (TTN antisense RNA 1; plus strand). Cytogenetic location: 2q31.2.
Variant type: single nucleotide variant.
Coding change: c.89065C>T on transcript NM_001267550.2 (MANE Select); coding-DNA position 89065, C replaced by T.
Protein change: p.Arg29689Cys; replaces arginine 29689 with cysteine.
Molecular consequence: missense variant.
Genome position (GRCh38, 1-based): chr2:178,554,046, G>A on the plus strand (C>T on the coding strand, the complement: TTN is on the minus strand). VCF-style: chr2-178554046-G-A. GRCh37 (hg19) VCF-style: chr2-179418773-G-A.
Other names: c.84142C>T, p.Arg28048Cys (NM_001256850.1); c.61870C>T, p.Arg20624Cys (NM_003319.4); c.81361C>T, p.Arg27121Cys (NM_133378.4); c.62245C>T, p.Arg20749Cys (NM_133432.3); c.62446C>T, p.Arg20816Cys (NM_133437.4); short protein forms R20624C, R20749C, R20816C, R27121C, R28048C, R29689C.
Identifiers: ClinVar variation 2437964 (VCV002437964.4), dbSNP rs781635476, ClinGen allele CA1987991.

ClinVar aggregate classification (germline): Uncertain significance. Review status: criteria provided, multiple submitters, no conflicts (2 of 4 stars). 2 submissions from 2 submitters: Uncertain significance (2). Last evaluated 2024-04-19.

Allele frequency attached by ClinVar (database versions not stated): gnomAD 0.00001; TOPMed 0.00001; ExAC 0.00002.
gnomAD v4.1: 23 of 1,613,630 alleles (0.0014%); highest among the groups gnomAD compares: Admixed American, 0.005%; no homozygotes.

Submissions (2):

GeneDx
Classification: Uncertain significance. Last evaluated: 2024-04-19. Review status: criteria provided, single submitter. Criteria: GeneDx Variant Classification Process June 2021. Collection method: clinical testing. Allele origin: germline. Affected: yes.
Comment: Not observed at significant frequency in large population cohorts (gnomAD); Missense variant in a gene in which most reported pathogenic variants are truncating/loss of function; Has not been previously published as pathogenic or benign to our knowledge

Revvity Omics, Revvity
Classification: Uncertain significance. Last evaluated: 2019-10-10. Review status: criteria provided, single submitter. Criteria: ACMG Guidelines, 2015. Collection method: clinical testing. Allele origin: germline.